The following is an entry in ClinVar:

ClinVar aggregate classification (germline): Uncertain significance (1 of 4 stars; one submission).

Submission:

GeneDx
Classification: Uncertain significance. Last evaluated: 2025-03-12. Review status: criteria provided, single submitter. Criteria: GeneDx Variant Classification Process June 2021. Collection method: clinical testing. Allele origin: germline. Affected: yes.
Comment: Not observed at significant frequency in large population cohorts (gnomAD); In silico analysis indicates that this missense variant does not alter protein structure/function; Has not been previously published as pathogenic or benign to our knowledge

NM_022841.7(RFX7):c.3866C>T (p.Pro1289Leu)

Gene: RFX7 (regulatory factor X7; minus strand). Cytogenetic location: 15q21.3.
Variant type: single nucleotide variant.
Coding change: c.3866C>T on transcript NM_022841.7 (MANE Select); coding-DNA position 3866, C replaced by T.
Protein change: p.Pro1289Leu; replaces proline 1289 with leucine.
Molecular consequence: missense variant.
Genome position (GRCh38, 1-based): chr15:56,093,862, G>A on the plus strand (C>T on the coding strand, the complement: RFX7 is on the minus strand). VCF-style: chr15-56093862-G-A. GRCh37 (hg19) VCF-style: chr15-56386060-G-A.
Other names: c.3575C>T, p.Pro1192Leu (NM_001368073.2, NM_001368074.1, NM_001370554.1); c.3866C>T, p.Pro1289Leu (NM_001370561.1); short protein forms P1192L, P1289L.
Identifiers: ClinVar variation 3371410 (VCV003371410.2).